The following is an entry in ClinVar:

NM_004104.5(FASN):c.2786-9G>A

Gene: FASN (fatty acid synthase; minus strand). Cytogenetic location: 17q25.3.
Variant type: single nucleotide variant.
Coding change: c.2786-9G>A on transcript NM_004104.5 (MANE Select); 9 bases into the intron before coding-DNA position 2786, G replaced by A.
Molecular consequence: intron variant.
Genome position (GRCh38, 1-based): chr17:82,088,043, C>T on the plus strand (G>A on the coding strand, the complement: FASN is on the minus strand). VCF-style: chr17-82088043-C-T. GRCh37 (hg19) VCF-style: chr17-80045919-C-T.
Other names: c.2786-9G>A (NM_004104.4).
Identifiers: ClinVar variation 1143997 (VCV001143997.11), dbSNP rs201882854, ClinGen allele CA8852644.
Genomic context (GRCh38, chr17:82,088,043, plus strand): 5'-ACCTCGAAGGCACGGGAGGCCTCCAGGAGCCGTACCTCCAGGGACACTGTCCCTGCAGAG[C>T]GGGAGAGTTGGAGATCAGAGGGCAGCACCCGCCCCCCAGCTACCCCCGCCTTGGTCCTGG-3'

ClinVar aggregate classification (germline): Likely benign. Review status: criteria provided, single submitter (1 of 4 stars). 2 submissions from 2 submitters: Likely benign (1). 1 of the submissions does not count toward it. Last evaluated 2025-06-08.

Conditions:
Epileptic encephalopathy. Identifiers: MedGen C0543888, HP:0200134.
FASN-related disorder. Also called: FASN-related condition.

Allele frequency attached by ClinVar (database versions not stated): gnomAD 0.00002; TOPMed 0.00003; ExAC 0.00015; gnomAD exomes 0.00015.

Submissions (2):

Labcorp Genetics (formerly Invitae), Labcorp
Classification: Likely benign for Epileptic encephalopathy. Last evaluated: 2025-06-08. Review status: criteria provided, single submitter. Criteria: Invitae Variant Classification Sherloc (09022015). Collection method: clinical testing. Allele origin: germline.

PreventionGenetics, part of Exact Sciences
Classification: Likely benign for FASN-related condition. Last evaluated: 2023-01-26. Review status: no assertion criteria provided. Collection method: clinical testing. Allele origin: germline. Not counted in ClinVar's aggregate classification.
Comment: This variant is classified as likely benign based on ACMG/AMP sequence variant interpretation guidelines (Richards et al. 2015 PMID: 25741868, with internal and published modifications).